The following is an entry in ClinVar:

NM_001100913.3(PACS2):c.1833C>T (p.Asn611=)

Gene: PACS2 (phosphofurin acidic cluster sorting protein 2; plus strand). Cytogenetic location: 14q32.33.
Variant type: single nucleotide variant.
Coding change: c.1833C>T on transcript NM_001100913.3 (MANE Select); coding-DNA position 1833, C replaced by T.
Protein change: p.Asn611=; no amino-acid change (asparagine 611 retained).
Molecular consequence: synonymous variant.
Genome position (GRCh38, 1-based): chr14:105,384,405, C>T. VCF-style: chr14-105384405-C-T. GRCh37 (hg19) VCF-style: chr14-105850742-C-T.
Other names: c.1596C>T, p.Asn532= (NM_001243127.3); c.1821C>T, p.Asn607= (NM_015197.4).
Identifiers: ClinVar variation 2998063 (VCV002998063.3), dbSNP rs782727405, ClinGen allele CA7389016.
Genomic context (GRCh38, chr14:105,384,405, plus strand): 5'-GCATGCAGGCTCCCACCCCGTGGCCAGGTACCTAGGCTCCGTGGACTACCGCTACAACAA[C>T]TTCTTCCAGGACCTGGCCTGGAGAGACCTGTTCAACAAGCTGGAGGCCCAGAGTGCGGGT-3'
Protein context (NP_001094383.2, residues 601-621): YLGSVDYRYN[Asn611=]FFQDLAWRDL

ClinVar aggregate classification (germline): Uncertain significance (1 of 4 stars; one submission).

Allele frequency attached by ClinVar (database versions not stated): TOPMed below 0.00001.
gnomAD v4.1: 16 of 1,612,626 alleles (0.00099%); highest among the groups gnomAD compares: Non-Finnish European, 0.0014%; no homozygotes.

Submission:

Labcorp Genetics (formerly Invitae), Labcorp
Classification: Uncertain significance. Last evaluated: 2023-08-27. Review status: criteria provided, single submitter. Criteria: Invitae Variant Classification Sherloc (09022015). Collection method: clinical testing. Allele origin: germline.
Comment: This sequence change affects codon 611 of the PACS2 mRNA. It is a 'silent' change, meaning that it does not change the encoded amino acid sequence of the PACS2 protein. This variant is present in population databases (rs782727405, gnomAD 0.004%). This variant has not been reported in the literature in individuals affected with PACS2-related conditions. Algorithms developed to predict the effect of sequence changes on RNA splicing suggest that this variant may create or strengthen a splice site. In summary, the available evidence is currently insufficient to determine the role of this variant in disease. Therefore, it has been classified as a Variant of Uncertain Significance.